The following is an entry in ClinVar:

ClinVar aggregate classification (germline): Uncertain significance (1 of 4 stars; one submission).

Allele frequency attached by ClinVar (database versions not stated): gnomAD exomes below 0.00001.
gnomAD v4.1: 1 of 1,613,964 alleles (0.000062%); highest among the groups gnomAD compares: Non-Finnish European, 0.000085%; no homozygotes.

Submission:

Labcorp Genetics (formerly Invitae), Labcorp
Classification: Uncertain significance. Last evaluated: 2023-10-20. Review status: criteria provided, single submitter. Criteria: Invitae Variant Classification Sherloc (09022015). Collection method: clinical testing. Allele origin: germline.
Comment: This sequence change replaces isoleucine, which is neutral and non-polar, with serine, which is neutral and polar, at codon 1806 of the POLE protein (p.Ile1806Ser). This variant is present in population databases (no rsID available, gnomAD 0.0009%). This variant has not been reported in the literature in individuals affected with POLE-related conditions. ClinVar contains an entry for this variant (Variation ID: 1946686). Advanced modeling of protein sequence and biophysical properties (such as structural, functional, and spatial information, amino acid conservation, physicochemical variation, residue mobility, and thermodynamic stability) performed at Invitae indicates that this missense variant is not expected to disrupt POLE protein function. In summary, the available evidence is currently insufficient to determine the role of this variant in disease. Therefore, it has been classified as a Variant of Uncertain Significance.

NM_006231.4(POLE):c.5417T>G (p.Ile1806Ser)

Gene: POLE (DNA polymerase epsilon, catalytic subunit; minus strand). Cytogenetic location: 12q24.33.
Variant type: single nucleotide variant.
Coding change: c.5417T>G on transcript NM_006231.4 (MANE Select); coding-DNA position 5417, T replaced by G.
Protein change: p.Ile1806Ser; replaces isoleucine 1806 with serine.
Molecular consequence: missense variant.
Genome position (GRCh38, 1-based): chr12:132,639,260, A>C on the plus strand (T>G on the coding strand, the complement: POLE is on the minus strand). VCF-style: chr12-132639260-A-C. GRCh37 (hg19) VCF-style: chr12-133215846-A-C.
Other names: short protein forms I1806S.
Identifiers: ClinVar variation 1946686 (VCV001946686.5), dbSNP rs1399127638, ClinGen allele CA387374971.